The following is an entry in ClinVar:

NM_000064.4(C3):c.2600_2602del (p.Leu867del)

Gene: C3 (complement C3; minus strand). Cytogenetic location: 19p13.3.
Variant type: Deletion.
Coding change: c.2600_2602del on transcript NM_000064.4 (MANE Select); coding-DNA positions 2600 to 2602, 3 bases deleted (TCC; older notation c.2600_2602delTCC).
Protein change: p.Leu867del; deletes leucine 867.
Molecular consequence: inframe deletion.
Genome position (GRCh38, 1-based): chr19:6,697,538-6,697,540, GGA deleted on the plus strand (TCC on the coding strand, the reverse complement: C3 is on the minus strand); deleting any 3 consecutive bases within chr19:6,697,538-6,697,541 gives the same sequence; the c. name uses the placement nearest the transcript's 3' end. VCF-style (leftmost placement, unchanged base first): chr19-6697537-TGGA-T. GRCh37 (hg19) VCF-style: chr19-6697548-TGGA-T.
Other names: short protein forms L867del.
Identifiers: ClinVar variation 2086565 (VCV002086565.4), dbSNP rs2512247839, ClinGen allele CA2580097043.

ClinVar aggregate classification (germline): Uncertain significance (1 of 4 stars; one submission).

Submission:

Labcorp Genetics (formerly Invitae), Labcorp
Classification: Uncertain significance. Last evaluated: 2022-10-13. Review status: criteria provided, single submitter. Criteria: Invitae Variant Classification Sherloc (09022015). Collection method: clinical testing. Allele origin: germline.
Comment: In summary, the available evidence is currently insufficient to determine the role of this variant in disease. Therefore, it has been classified as a Variant of Uncertain Significance. Experimental studies and prediction algorithms are not available or were not evaluated, and the functional significance of this variant is currently unknown. This variant has not been reported in the literature in individuals affected with C3-related conditions. This variant is not present in population databases (gnomAD no frequency). This variant, c.2600_2602del, results in the deletion of 1 amino acid(s) of the C3 protein (p.Leu867del), but otherwise preserves the integrity of the reading frame.